The following is an entry in ClinVar:

NM_019597.5(HNRNPH2):c.956T>C (p.Ile319Thr)

Genes: HNRNPH2 (heterogeneous nuclear ribonucleoprotein H2; plus strand), RPL36A-HNRNPH2 (RPL36A-HNRNPH2 readthrough; plus strand). Cytogenetic location: Xq22.1.
Variant type: single nucleotide variant.
Coding change: c.956T>C on transcript NM_019597.5 (MANE Select); coding-DNA position 956, T replaced by C.
Protein change: p.Ile319Thr; replaces isoleucine 319 with threonine.
Molecular consequence: missense variant. On other transcripts: 3 prime UTR variant (2).
Genome position (GRCh38, 1-based): chrX:101,412,944, T>C. VCF-style: chrX-101412944-T-C. GRCh37 (hg19) VCF-style: chrX-100667932-T-C.
Other names: c.*952T>C (NM_001199973.2, NM_001199974.2); c.956T>C, p.Ile319Thr (NM_001032393.3); short protein forms I319T.
Identifiers: ClinVar variation 3573509 (VCV003573509.1).

ClinVar aggregate classification (germline): Uncertain significance (1 of 4 stars; one submission).

Submission:

GeneDx
Classification: Uncertain significance. Last evaluated: 2024-07-19. Review status: criteria provided, single submitter. Criteria: GeneDx Variant Classification Process June 2021. Collection method: clinical testing. Allele origin: germline. Affected: yes.
Comment: Not observed at significant frequency in large population cohorts (gnomAD); In silico analysis supports that this missense variant has a deleterious effect on protein structure/function; Has not been previously published as pathogenic or benign to our knowledge